The following is an entry in ClinVar:

ClinVar aggregate classification (germline): Pathogenic/Likely pathogenic. Review status: criteria provided, multiple submitters, no conflicts (2 of 4 stars). 8 submissions from 8 submitters: Pathogenic (3); Likely pathogenic (5). Last evaluated 2026-06-11.

Conditions:
Primary familial hypertrophic cardiomyopathy (HCM). Identifiers: Orphanet 99739, MedGen C0949658, MeSH D024741, MONDO:0024573. Inheritance: Various modes of inheritance.
Hypertrophic cardiomyopathy 25 (CMH25). Also called: CARDIOMYOPATHY, FAMILIAL HYPERTROPHIC, 25. Identifiers: MedGen C4225408, MONDO:0011843, OMIM 607487.
Autosomal recessive limb-girdle muscular dystrophy type 2G (LGMDR7). Also called: Limb-girdle muscular dystrophy, type 2G; Telethoninopathy; MUSCULAR DYSTROPHY, LIMB-GIRDLE, AUTOSOMAL RECESSIVE 7. Identifiers: Orphanet 34514, MedGen C1866008, MONDO:0011170, OMIM 601954.
TCAP-related disorder. Also called: TCAP-related condition.
Cardiovascular phenotype. Identifiers: MedGen CN230736.

Allele frequency attached by ClinVar (database versions not stated): gnomAD 0.00001; gnomAD exomes 0.00001; TOPMed 0.00002; ESP Exome Variant Server 0.00008.

Submissions (8):

PreventionGenetics, part of Exact Sciences
Classification: Likely pathogenic for TCAP-related condition. Last evaluated: 2026-06-11. Review status: criteria provided, single submitter. Criteria: ACMG Guidelines, 2015. Collection method: clinical testing. Allele origin: germline.
Comment: The TCAP c.66G>A variant is predicted to result in premature protein termination (p.Trp22*). This variant has been reported in the homozygous state in multiple individuals with autosomal recessive limb-girdle muscular dystrophy (Table S1, Gorukmez et al. 2023. PubMed ID: 36964972; Kale et al. 2025. PubMed ID: 40774080). This variant has been reported with uncertain significance in the heterozygous state in an individual with hypertrophic cardiomyopathy (Table S13, Thomson et al. 2018. PubMed ID: 30531895). This variant has not been reported in a large population database (gnomAD), indicating this variant is rare. Nonsense variants in TCAP are expected to be pathogenic. This variant is interpreted as likely pathogenic for autosomal recessive limb-girdle muscular dystrophy and as a variant of uncertain significance for autosomal dominant hypertrophic cardiomyopathy.

Ambry Genetics
Classification: Pathogenic for Cardiovascular phenotype. Last evaluated: 2025-08-12. Review status: criteria provided, single submitter. Criteria: Ambry Variant Classification Scheme 2023. Collection method: clinical testing. Allele origin: germline.
Comment: The p.W22* pathogenic mutation (also known as c.66G>A), located in coding exon 1 of the TCAP gene, results from a G to A substitution at nucleotide position 66. This changes the amino acid from a tryptophan to a stop codon within coding exon 1. This alteration is expected to result in protein truncation that may not trigger nonsense-mediated mRNA decay. However, the impacted region is critical for protein function and a significant portion of the protein is affected (Ambry internal data). This variant is considered to be rare based on population cohorts in the Genome Aggregation Database (gnomAD). Based on the supporting evidence, this alteration is interpreted as a disease-causing mutation.

Labcorp Genetics (formerly Invitae), Labcorp
Classification: Pathogenic for Hypertrophic cardiomyopathy 25; Primary familial hypertrophic cardiomyopathy. Last evaluated: 2025-06-04. Review status: criteria provided, single submitter. Criteria: Invitae Variant Classification Sherloc (09022015). Collection method: clinical testing. Allele origin: germline.
Comment: This sequence change creates a premature translational stop signal (p.Trp22*) in the TCAP gene. It is expected to result in an absent or disrupted protein product. Loss-of-function variants in TCAP are known to be pathogenic (PMID: 10655062, 21530252, 25055047). This variant is not present in population databases (gnomAD no frequency). This variant has not been reported in the literature in individuals affected with TCAP-related conditions. ClinVar contains an entry for this variant (Variation ID: 290645). For these reasons, this variant has been classified as Pathogenic.

GeneDx
Classification: Likely pathogenic. Last evaluated: 2025-02-20. Review status: criteria provided, single submitter. Criteria: GeneDx Variant Classification Process June 2021. Collection method: clinical testing. Allele origin: germline. Affected: yes.
Comment: Not observed at significant frequency in large population cohorts (gnomAD); Nonsense variant predicted to result in protein truncation, as the last 146 amino acid(s) are lost, and other loss-of-function variants have been reported downstream in HGMD; Identified in an individual with HCM in published literature; however, it is unclear whether additional cardiogenetic were also identified (PMID: 30531895); This variant is associated with the following publications: (PMID: 30564623, 16490376, 30531895, 36964972)

MGZ Medical Genetics Center
Classification: Likely pathogenic for Hypertrophic cardiomyopathy 25. Last evaluated: 2022-06-15. Review status: criteria provided, single submitter. Criteria: ACMG Guidelines, 2015. Collection method: clinical testing. Allele origin: germline. Affected: yes. Observed: 1 variant allele.
Comment: ACMG criteria applied: PVS1, PM2_SUP

AiLife Diagnostics
Classification: Likely pathogenic. Last evaluated: 2022-01-20. Review status: criteria provided, single submitter. Criteria: ACMG Guidelines, 2015. Collection method: clinical testing. Allele origin: germline. Affected: yes. Observed: 1 variant allele.

Fulgent Genetics
Classification: Likely pathogenic for Autosomal recessive limb-girdle muscular dystrophy type 2G; Hypertrophic cardiomyopathy 25. Last evaluated: 2021-10-22. Review status: criteria provided, single submitter. Criteria: ACMG Guidelines, 2015. Collection method: clinical testing. Allele origin: unknown.

Eurofins Ntd Llc (ga)
Classification: Pathogenic. Last evaluated: 2016-10-03. Review status: criteria provided, single submitter. Criteria: EGL Classification Definitions 2015. Collection method: clinical testing. Allele origin: germline. Observed: 1 variant allele, 1 homozygote.

Literature cited by the submitters: PubMed 30531895 (cited by Ambry Genetics); PubMed 10655062 (cited by Labcorp Genetics (formerly Invitae), Labcorp); PubMed 21530252 (cited by Labcorp Genetics (formerly Invitae), Labcorp); PubMed 25055047 (cited by Labcorp Genetics (formerly Invitae), Labcorp).

NM_003673.4(TCAP):c.66G>A (p.Trp22Ter)

Gene: TCAP (titin-cap; plus strand). Cytogenetic location: 17q12.
Variant type: single nucleotide variant.
Coding change: c.66G>A on transcript NM_003673.4 (MANE Select); coding-DNA position 66, G replaced by A.
Protein change: p.Trp22Ter; replaces tryptophan 22 with a stop codon.
Molecular consequence: nonsense.
Genome position (GRCh38, 1-based): chr17:39,665,425, G>A. VCF-style: chr17-39665425-G-A. GRCh37 (hg19) VCF-style: chr17-37821678-G-A.
Other names: short protein forms W22*.
Identifiers: ClinVar variation 290645 (VCV000290645.23), dbSNP rs141019458, ClinGen allele CA10606859.